The following is an entry in ClinVar:

ClinVar aggregate classification (germline): Uncertain significance (1 of 4 stars; one submission).

Submission:

Ambry Genetics
Classification: Uncertain significance. Last evaluated: 2025-04-06. Review status: criteria provided, single submitter. Criteria: Ambry Variant Classification Scheme 2023. Collection method: clinical testing. Allele origin: germline.
Comment: The p.L517R variant (also known as c.1550T>G), located in coding exon 8 of the ATRIP gene, results from a T to G substitution at nucleotide position 1550. The leucine at codon 517 is replaced by arginine, an amino acid with dissimilar properties. This amino acid position is conserved. In addition, this alteration is predicted to be tolerated by in silico analysis. Based on the available evidence, the clinical significance of this variant remains unclear.

NM_130384.3(ATRIP):c.1550T>G (p.Leu517Arg)

Genes: ATRIP (ATR interacting protein; plus strand), ATRIP-TREX1 (ATRIP-TREX1 readthrough; plus strand). Cytogenetic location: 3p21.31.
Variant type: single nucleotide variant.
Coding change: c.1550T>G on transcript NM_130384.3 (MANE Select); coding-DNA position 1550, T replaced by G.
Protein change: p.Leu517Arg; replaces leucine 517 with arginine.
Molecular consequence: missense variant. On other transcripts: non-coding transcript variant (1).
Genome position (GRCh38, 1-based): chr3:48,460,604, T>G. VCF-style: chr3-48460604-T-G. GRCh37 (hg19) VCF-style: chr3-48502003-T-G.
Other names: c.1169T>G, p.Leu390Arg (NM_001271022.2); c.1271T>G, p.Leu424Arg (NM_001271023.2); c.1550T>G, p.Leu517Arg (NM_032166.4); short protein forms L517R, L390R, L424R.
Identifiers: ClinVar variation 3975984 (VCV003975984.1).